The following is an entry in ClinVar:

ClinVar aggregate classification (germline): Conflicting classifications of pathogenicity. Review status: criteria provided, conflicting classifications (1 of 4 stars). 2 submissions from 2 submitters: Uncertain significance (1); Likely benign (1). Last evaluated 2022-07-19.

Allele frequency attached by ClinVar (database versions not stated): gnomAD exomes 0.00016 and 0.00020; ExAC 0.00036; gnomAD 0.00047 and 0.00050; TOPMed 0.00048; ESP Exome Variant Server 0.00054; 1000 Genomes Project 0.00060; 1000 Genomes Project 30x 0.00062.
gnomAD v4.1: 353 of 1,497,302 alleles (0.024%); highest among the groups gnomAD compares: African/African-American, 0.15%; no homozygotes.

Submissions (2):

Labcorp Genetics (formerly Invitae), Labcorp
Classification: Uncertain significance. Last evaluated: 2022-07-19. Review status: criteria provided, single submitter. Criteria: Invitae Variant Classification Sherloc (09022015). Collection method: clinical testing. Allele origin: germline.
Comment: This sequence change replaces valine, which is neutral and non-polar, with methionine, which is neutral and non-polar, at codon 1354 of the OBSL1 protein (p.Val1354Met). The frequency data for this variant in the population databases is considered unreliable, as metrics indicate poor data quality at this position in the gnomAD database. This variant has not been reported in the literature in individuals affected with OBSL1-related conditions. ClinVar contains an entry for this variant (Variation ID: 1401086). Algorithms developed to predict the effect of missense changes on protein structure and function are either unavailable or do not agree on the potential impact of this missense change (SIFT: "Deleterious"; PolyPhen-2: "Probably Damaging"; Align-GVGD: "Class C0"). In summary, the available evidence is currently insufficient to determine the role of this variant in disease. Therefore, it has been classified as a Variant of Uncertain Significance.

Women's Health and Genetics/Laboratory Corporation of America, LabCorp
Classification: Likely benign. Last evaluated: 2022-07-12. Review status: criteria provided, single submitter. Criteria: LabCorp Variant Classification Summary - May 2015. Collection method: clinical testing. Allele origin: germline.
Comment: Variant summary: OBSL1 c.4060G>A (p.Val1354Met) results in a conservative amino acid change located in the Immunoglobulin-like domain (IPR007110) of the encoded protein sequence. Three of five in-silico tools predict a damaging effect of the variant on protein function. The variant allele was found at a frequency of 0.00047 in 152180 control chromosomes, predominantly at a frequency of 0.0014 within the African or African-American subpopulation in the gnomAD database (gnomAD v3, genomes data). The observed variant frequency within African or African-American control individuals in the gnomAD database is approximately 1.3 fold of the estimated maximal expected allele frequency for a pathogenic variant in OBSL1 causing Three M Syndrome 2 phenotype (0.0011), strongly suggesting that the variant is a benign polymorphism found primarily in populations of African or African-American origin. To our knowledge, no occurrence of c.4060G>A in individuals affected with Three M Syndrome 2 and no experimental evidence demonstrating its impact on protein function have been reported. One clinical diagnostic laboratory has submitted clinical-significance assessments for this variant to ClinVar after 2014 without evidence for independent evaluation and classified the variant as uncertain significance. Based on the evidence outlined above, the variant was classified as likely benign.

NM_015311.3(OBSL1):c.4060G>A (p.Val1354Met)

Gene: OBSL1 (obscurin like cytoskeletal adaptor 1; minus strand). Cytogenetic location: 2q35.
Variant type: single nucleotide variant.
Coding change: c.4060G>A on transcript NM_015311.3 (MANE Select); coding-DNA position 4060, G replaced by A.
Protein change: p.Val1354Met; replaces valine 1354 with methionine.
Molecular consequence: missense variant.
Genome position (GRCh38, 1-based): chr2:219,557,349, C>T on the plus strand (G>A on the coding strand, the complement: OBSL1 is on the minus strand). VCF-style: chr2-219557349-C-T. GRCh37 (hg19) VCF-style: chr2-220422071-C-T.
Other names: c.4060G>A, p.Val1354Met (NM_001173431.2); short protein forms V1354M.
Identifiers: ClinVar variation 1401086 (VCV001401086.6), dbSNP rs144083909, ClinGen allele CA2130686.